The following is an entry in ClinVar:

ClinVar aggregate classification (germline): Uncertain significance (1 of 4 stars; one submission).

Conditions:
Peroxisome biogenesis disorder 12A (Zellweger). Also called: Peroxisome biogenesis disorder 12A. Identifiers: Orphanet 912, MedGen C3554002, MONDO:0013951, OMIM 614886.

Submission:

Labcorp Genetics (formerly Invitae), Labcorp
Classification: Uncertain significance for Peroxisome biogenesis disorder 12A (Zellweger). Last evaluated: 2022-06-15. Review status: criteria provided, single submitter. Criteria: Invitae Variant Classification Sherloc (09022015). Collection method: clinical testing. Allele origin: germline.
Comment: In summary, the available evidence is currently insufficient to determine the role of this variant in disease. Therefore, it has been classified as a Variant of Uncertain Significance. Algorithms developed to predict the effect of missense changes on protein structure and function (SIFT, PolyPhen-2, Align-GVGD) all suggest that this variant is likely to be tolerated. This variant has not been reported in the literature in individuals affected with PEX19-related conditions. This variant is not present in population databases (gnomAD no frequency). This sequence change replaces glutamic acid, which is acidic and polar, with aspartic acid, which is acidic and polar, at codon 6 of the PEX19 protein (p.Glu6Asp).

NM_002857.4(PEX19):c.18A>T (p.Glu6Asp)

Gene: PEX19 (peroxisomal biogenesis factor 19; minus strand). Cytogenetic location: 1q23.2.
Variant type: single nucleotide variant.
Coding change: c.18A>T on transcript NM_002857.4 (MANE Select); coding-DNA position 18, A replaced by T.
Protein change: p.Glu6Asp; replaces glutamic acid 6 with aspartic acid.
Molecular consequence: missense variant. On other transcripts: non-coding transcript variant (2).
Genome position (GRCh38, 1-based): chr1:160,285,107, T>A on the plus strand (A>T on the coding strand, the complement: PEX19 is on the minus strand). VCF-style: chr1-160285107-T-A. GRCh37 (hg19) VCF-style: chr1-160254897-T-A.
Other names: c.18A>T, p.Glu6Asp (NM_001193644.1); short protein forms E6D.
Identifiers: ClinVar variation 2043730 (VCV002043730.4), dbSNP rs761861882, ClinGen allele CA343266094.